The following is an entry in ClinVar:

ClinVar aggregate classification (germline): Uncertain significance (1 of 4 stars; one submission).

Conditions:
Early-infantile DEE. Also called: Early infantile epileptic encephalopathy with suppression bursts; Early infantile epileptic encephalopathy; Ohtahara syndrome. Identifiers: Orphanet 1934, MedGen C0393706, MONDO:0800491.

Submission:

Labcorp Genetics (formerly Invitae), Labcorp
Classification: Uncertain significance for Early-infantile DEE. Last evaluated: 2021-03-09. Review status: criteria provided, single submitter. Criteria: Invitae Variant Classification Sherloc (09022015). Collection method: clinical testing. Allele origin: germline.
Comment: This variant has not been reported in the literature in individuals with KCNQ2-related conditions. This variant is not present in population databases (ExAC no frequency). This sequence change replaces cysteine with arginine at codon 827 of the KCNQ2 protein (p.Cys827Arg). The cysteine residue is moderately conserved and there is a large physicochemical difference between cysteine and arginine. Algorithms developed to predict the effect of missense changes on protein structure and function are either unavailable or do not agree on the potential impact of this missense change (SIFT: "Deleterious"; PolyPhen-2: "Benign"; Align-GVGD: "Class C0"). In summary, the available evidence is currently insufficient to determine the role of this variant in disease. Therefore, it has been classified as a Variant of Uncertain Significance.

NM_172107.4(KCNQ2):c.2479T>C (p.Cys827Arg)

Gene: KCNQ2 (potassium voltage-gated channel subfamily Q member 2; minus strand). Cytogenetic location: 20q13.33.
Variant type: single nucleotide variant.
Coding change: c.2479T>C on transcript NM_172107.4 (MANE Select); coding-DNA position 2479, T replaced by C.
Protein change: p.Cys827Arg; replaces cysteine 827 with arginine.
Molecular consequence: missense variant.
Genome position (GRCh38, 1-based): chr20:63,406,784, A>G on the plus strand (T>C on the coding strand, the complement: KCNQ2 is on the minus strand). VCF-style: chr20-63406784-A-G. GRCh37 (hg19) VCF-style: chr20-62038137-A-G.
Other names: c.2533T>C, p.Cys845Arg (NM_001382235.1); c.2395T>C, p.Cys799Arg (NM_004518.6); c.2425T>C, p.Cys809Arg (NM_172106.3); c.2386T>C, p.Cys796Arg (NM_172108.5); short protein forms C809R, C827R, C845R, C796R, C799R.
Identifiers: ClinVar variation 1367725 (VCV001367725.9), dbSNP rs2145482847, ClinGen allele CA409636905.